The following is an entry in ClinVar:

NM_182961.4(SYNE1):c.10145+12T>C

Gene: SYNE1 (spectrin repeat containing nuclear envelope protein 1; minus strand). Cytogenetic location: 6q25.2.
Variant type: single nucleotide variant.
Coding change: c.10145+12T>C on transcript NM_182961.4 (MANE Select); 12 bases into the intron after coding-DNA position 10145, T replaced by C.
Molecular consequence: intron variant.
Genome position (GRCh38, 1-based): chr6:152,364,835, A>G on the plus strand (T>C on the coding strand, the complement: SYNE1 is on the minus strand). VCF-style: chr6-152364835-A-G. GRCh37 (hg19) VCF-style: chr6-152685970-A-G.
Other names: c.10166+12T>C (NM_033071.5).
Identifiers: ClinVar variation 262152 (VCV000262152.15), dbSNP rs112401775, ClinGen allele CA4057069.

ClinVar aggregate classification (germline): Benign/Likely benign. Review status: criteria provided, multiple submitters, no conflicts (2 of 4 stars). 6 submissions from 5 submitters: Benign (4); Likely benign (2). Last evaluated 2026-01-27.

Conditions:
Autosomal recessive ataxia, Beauce type. Also called: Spinocerebellar ataxia, autosomal recessive 8; ATAXIA, RECESSIVE, OF BEAUCE; SYNE1-Related Autosomal Recessive Cerebellar Ataxia; SYNE1 Deficiency. Identifiers: Orphanet 88644, MedGen C1853116, MONDO:0012549, OMIM 610743.
Emery-Dreifuss muscular dystrophy 4, autosomal dominant (EDMD4). Also called: EMERY-DREIFUSS MUSCULAR DYSTROPHY 4 WITH VARIABLE FEATURES. Identifiers: Orphanet 261, MedGen C2751807, MONDO:0013071, OMIM 612998.

Allele frequency attached by ClinVar (database versions not stated): gnomAD exomes 0.00428 and 0.01168; ExAC 0.01468; gnomAD 0.04602 and 0.04924; ESP Exome Variant Server 0.04998; TOPMed 0.05156; 1000 Genomes Project 0.05471; 1000 Genomes Project 30x 0.05668.
gnomAD v4.1: 13,562 of 1,614,120 alleles (0.84%); highest among the groups gnomAD compares: African/African-American, 16%; 989 homozygotes.

Submissions (6):

Labcorp Genetics (formerly Invitae), Labcorp
Classification: Benign for Emery-Dreifuss muscular dystrophy 4, autosomal dominant; Autosomal recessive ataxia, Beauce type. Last evaluated: 2026-01-27. Review status: criteria provided, single submitter. Criteria: Invitae Variant Classification Sherloc (09022015). Collection method: clinical testing. Allele origin: germline.

Illumina Laboratory Services, Illumina
Classification: Benign for Emery-Dreifuss muscular dystrophy 4, autosomal dominant. Last evaluated: 2018-01-13. Review status: criteria provided, single submitter. Criteria: ICSL Variant Classification Criteria 13 December 2019. Collection method: clinical testing. Allele origin: germline.
Comment: This variant was observed in the ICSL laboratory as part of a predisposition screen in an ostensibly healthy population. It had not been previously curated by ICSL or reported in the Human Gene Mutation Database (HGMD: prior to June 1st, 2018), and was therefore a candidate for classification through an automated scoring system. Utilizing variant allele frequency, disease prevalence and penetrance estimates, and inheritance mode, an automated score was calculated to assess if this variant is too frequent to cause the disease. Based on the score and internal cut-off values, a variant classified as benign is not then subjected to further curation. The score for this variant resulted in a classification of benign for this disease.

Illumina Laboratory Services, Illumina
Classification: Benign for Autosomal recessive ataxia, Beauce type. Last evaluated: 2018-01-13. Review status: criteria provided, single submitter. Criteria: ICSL Variant Classification Criteria 13 December 2019. Collection method: clinical testing. Allele origin: germline.
Comment: the same text as in the submission from Illumina Laboratory Services, Illumina above.

GeneDx
Classification: Benign. Last evaluated: 2016-05-23. Review status: criteria provided, single submitter. Criteria: GeneDx Variant Classification (06012015). Collection method: clinical testing. Allele origin: germline. Affected: yes.
Comment: This variant is considered likely benign or benign based on one or more of the following criteria: it is a conservative change, it occurs at a poorly conserved position in the protein, it is predicted to be benign by multiple in silico algorithms, and/or has population frequency not consistent with disease.

Breakthrough Genomics
Classification: Likely benign. Review status: criteria provided, single submitter. Criteria: ACMG Guidelines, 2015. Collection method: not provided. Allele origin: germline. Inheritance: Autosomal recessive inheritance. Affected: yes.

PreventionGenetics, part of Exact Sciences
Classification: Likely benign. Review status: criteria provided, single submitter. Criteria: ACMG Guidelines, 2015. Collection method: clinical testing. Allele origin: germline.